The following is an entry in ClinVar:

NM_016148.5(SHANK1):c.1862A>G (p.Glu621Gly)

Gene: SHANK1 (SH3 and multiple ankyrin repeat domains 1; minus strand). Cytogenetic location: 19q13.33.
Variant type: single nucleotide variant.
Coding change: c.1862A>G on transcript NM_016148.5 (MANE Select); coding-DNA position 1862, A replaced by G.
Protein change: p.Glu621Gly; replaces glutamic acid 621 with glycine.
Molecular consequence: missense variant.
Genome position (GRCh38, 1-based): chr19:50,697,664, T>C on the plus strand (A>G on the coding strand, the complement: SHANK1 is on the minus strand). VCF-style: chr19-50697664-T-C. GRCh37 (hg19) VCF-style: chr19-51200921-T-C.
Other names: short protein forms E621G.
Identifiers: ClinVar variation 3381645 (VCV003381645.1).
Genomic context (GRCh38, chr19:50,697,664, plus strand): 5'-CTGTCGTAGGAGCCCACGGTATAATGCCGGAAGAGTCTCTTTGCCTTGTCACTGCGGCTT[T>C]CTGCAGGGTGACAACAGACAACCTTGGACTCTTGTTTTGGAAACCACAATCCCAGCCCTA-3'
Protein context (NP_057232.2, residues 611-631): VANRSQESKQ[Glu621Gly]SRSDKAKRLF

ClinVar aggregate classification (germline): Uncertain significance (1 of 4 stars; one submission).

gnomAD v4.1: 1 of 1,613,788 alleles (0.000062%); highest among the groups gnomAD compares: Non-Finnish European, 0.000085%; no homozygotes.

Submission:

GeneDx
Classification: Uncertain significance. Last evaluated: 2024-05-19. Review status: criteria provided, single submitter. Criteria: GeneDx Variant Classification Process June 2021. Collection method: clinical testing. Allele origin: germline. Affected: yes.
Comment: Not observed at significant frequency in large population cohorts (gnomAD); In silico analysis supports that this missense variant has a deleterious effect on protein structure/function; Has not been previously published as pathogenic or benign to our knowledge